The following is an entry in ClinVar:

NM_004281.4(BAG3):c.842_845dup (p.Arg282fs)

Gene: BAG3 (BAG cochaperone 3; plus strand). Cytogenetic location: 10q26.11.
Variant type: Microsatellite.
Coding change: c.842_845dup on transcript NM_004281.4 (MANE Select); coding-DNA positions 842 to 845, 4 bases duplicated (CCAG; older notation c.842_845dupCCAG).
Protein change: p.Arg282fs; shifts the reading frame from arginine 282.
Molecular consequence: frameshift variant.
Genome position (GRCh38, 1-based): chr10:119,672,589-119,672,592, CCAG duplicated; duplicating any 4 consecutive bases within chr10:119,672,585-119,672,592 gives the same sequence; the c. name uses the placement nearest the transcript's 3' end. VCF-style (leftmost placement, unchanged base first): chr10-119672584-A-ACCAG. GRCh37 (hg19) VCF-style: chr10-121432096-A-ACCAG.
Other names: c.838_841CCAG[3], p.Arg282Serfs (NM_004281.3); c.842_845dupCCAG (NM_004281.3); short protein forms R282fs.
Identifiers: ClinVar variation 3984802 (VCV003984802.1).

ClinVar aggregate classification (germline): Pathogenic (1 of 4 stars; one submission).

Conditions:
Cardiovascular phenotype. Identifiers: MedGen CN230736.

Submission:

Ambry Genetics
Classification: Pathogenic for Cardiovascular phenotype. Last evaluated: 2025-05-16. Review status: criteria provided, single submitter. Criteria: Ambry Variant Classification Scheme 2023. Collection method: clinical testing. Allele origin: germline.
Comment: The c.842_845dupCCAG variant, located in coding exon 3 of the BAG3 gene, results from a duplication of CCAG at nucleotide position 842, causing a translational frameshift with a predicted alternate stop codon (p.R282Sfs*38). This variant was reported in individual(s) with features consistent with dilated cardiomyopathy (Ambry internal data). This alteration occurs at the 3' terminus of theBAG3 gene, is not expected to trigger nonsense-mediated mRNA decay, and impacts the last 51% of the protein. However, premature stop codons are typically deleterious in nature, a significant portion of the protein is affected, and the impacted region is critical for protein function (Ambry internal data). This variant is considered to be rare based on population cohorts in the Genome Aggregation Database (gnomAD). Based on the supporting evidence, this variant is interpreted as a disease-causing mutation.